The following is an entry in ClinVar:

NM_001903.5(CTNNA1):c.8C>G (p.Ala3Gly)

Gene: CTNNA1 (catenin alpha 1; plus strand). Cytogenetic location: 5q31.2.
Variant type: single nucleotide variant.
Coding change: c.8C>G on transcript NM_001903.5 (MANE Select); coding-DNA position 8, C replaced by G.
Protein change: p.Ala3Gly; replaces alanine 3 with glycine.
Molecular consequence: missense variant. On other transcripts: 5 prime UTR variant (2).
Genome position (GRCh38, 1-based): chr5:138,781,932, C>G. VCF-style: chr5-138781932-C-G. GRCh37 (hg19) VCF-style: chr5-138117621-C-G.
Other names: c.8C>G, p.Ala3Gly (NM_001290307.3, NM_001323982.2, NM_001323983.1 and 3 more transcripts); c.-106C>G (NM_001290309.3); c.-199C>G (NM_001290310.3); short protein forms A3G.
Identifiers: ClinVar variation 1448403 (VCV001448403.11), dbSNP rs1410904142, ClinGen allele CA361477033.

ClinVar aggregate classification (germline): Uncertain significance. Review status: criteria provided, multiple submitters, no conflicts (2 of 4 stars). 2 submissions from 2 submitters: Uncertain significance (2). Last evaluated 2025-12-01.

Conditions:
Hereditary cancer-predisposing syndrome. Also called: Hereditary Cancer Syndrome; Hereditary neoplastic syndrome; Neoplastic Syndromes, Hereditary; Tumor predisposition. Identifiers: Orphanet 140162, MedGen C0027672, MeSH D009386, MONDO:0015356.

Allele frequency attached by ClinVar (database versions not stated): gnomAD exomes below 0.00001.
gnomAD v4.1: 6 of 1,583,542 alleles (0.00038%); highest among the groups gnomAD compares: South Asian, 0.0071%; no homozygotes.

Submissions (2):

Labcorp Genetics (formerly Invitae), Labcorp
Classification: Uncertain significance. Last evaluated: 2025-12-01. Review status: criteria provided, single submitter. Criteria: Invitae Variant Classification Sherloc (09022015). Collection method: clinical testing. Allele origin: germline.
Comment: This sequence change replaces alanine, which is neutral and non-polar, with glycine, which is neutral and non-polar, at codon 3 of the CTNNA1 protein (p.Ala3Gly). This variant is present in population databases (no rsID available, gnomAD 0.004%). This variant has not been reported in the literature in individuals affected with CTNNA1-related conditions. ClinVar contains an entry for this variant (Variation ID: 1448403). An algorithm developed to predict the effect of missense changes on protein structure and function (PolyPhen-2) suggests that this variant is likely to be tolerated. In summary, the available evidence is currently insufficient to determine the role of this variant in disease. Therefore, it has been classified as a Variant of Uncertain Significance.

Ambry Genetics
Classification: Uncertain significance for Hereditary cancer-predisposing syndrome. Last evaluated: 2025-06-12. Review status: criteria provided, single submitter. Criteria: Ambry Variant Classification Scheme 2023. Collection method: clinical testing. Allele origin: germline.
Comment: The p.A3G variant (also known as c.8C>G), located in coding exon 1 of the CTNNA1 gene, results from a C to G substitution at nucleotide position 8. The alanine at codon 3 is replaced by glycine, an amino acid with similar properties. This amino acid position is not well conserved in available vertebrate species. In addition, this alteration is predicted to be tolerated by in silico analysis. Based on the available evidence, the clinical significance of this variant remains unclear.